The following is an entry in ClinVar:

ClinVar aggregate classification (germline): Uncertain significance (1 of 4 stars; one submission).

Submission:

Labcorp Genetics (formerly Invitae), Labcorp
Classification: Uncertain significance. Last evaluated: 2022-06-20. Review status: criteria provided, single submitter. Criteria: Invitae Variant Classification Sherloc (09022015). Collection method: clinical testing. Allele origin: germline.
Comment: In summary, the available evidence is currently insufficient to determine the role of this variant in disease. Therefore, it has been classified as a Variant of Uncertain Significance. Algorithms developed to predict the effect of missense changes on protein structure and function are either unavailable or do not agree on the potential impact of this missense change (SIFT: "Deleterious"; PolyPhen-2: "Possibly Damaging"; Align-GVGD: "Class C0"). This variant has not been reported in the literature in individuals affected with NLRP1-related conditions. This variant is not present in population databases (gnomAD no frequency). This sequence change replaces proline, which is neutral and non-polar, with leucine, which is neutral and non-polar, at codon 1423 of the NLRP1 protein (p.Pro1423Leu).

NM_033004.4(NLRP1):c.4268C>T (p.Pro1423Leu)

Gene: NLRP1 (NLR family pyrin domain containing 1; minus strand). Cytogenetic location: 17p13.2.
Variant type: single nucleotide variant.
Coding change: c.4268C>T on transcript NM_033004.4 (MANE Select); coding-DNA position 4268, C replaced by T.
Protein change: p.Pro1423Leu; replaces proline 1423 with leucine.
Molecular consequence: missense variant. On other transcripts: intron variant (1).
Genome position (GRCh38, 1-based): chr17:5,514,908, G>A on the plus strand (C>T on the coding strand, the complement: NLRP1 is on the minus strand). VCF-style: chr17-5514908-G-A. GRCh37 (hg19) VCF-style: chr17-5418228-G-A.
Other names: c.4136C>T, p.Pro1379Leu (NM_014922.5); c.4178C>T, p.Pro1393Leu (NM_033006.4); c.4046C>T, p.Pro1349Leu (NM_033007.4); c.4069+2838C>T (NM_001033053.3); short protein forms P1379L, P1393L, P1349L, P1423L.
Identifiers: ClinVar variation 1358097 (VCV001358097.8), dbSNP rs2151732347, ClinGen allele CA397386818.
Genomic context (GRCh38, chr17:5,514,908, plus strand): 5'-CCATCTTTGCACTTCCGGTCCCAGGACTGGCTCAAGCTGAACAGCTTCCGCATCTGGCTG[G>A]GCCTCGTGTTCTCAGCCAGCACCCTCTCGTACTGCTCCTGGCTCAGCACCTGTCCATGCA-3'
Protein context (NP_127497.1, residues 1413-1433): YERVLAENTR[Pro1423Leu]SQMRKLFSLS